The following is an entry in ClinVar:

ClinVar aggregate classification (germline): Uncertain significance. Review status: criteria provided, multiple submitters, no conflicts (2 of 4 stars). 2 submissions from 2 submitters: Uncertain significance (2). Last evaluated 2025-12-29.

Conditions:
Inborn genetic diseases. Identifiers: MedGen C0950123, MeSH D030342.
Genitopatellar syndrome (GTPTS). Also called: ABSENT PATELLAE, SCROTAL HYPOPLASIA, RENAL ANOMALIES, FACIAL DYSMORPHISM, AND MENTAL RETARDATION; Genitopatellar syndrome (GPS). Identifiers: Orphanet 85201, MedGen C1853566, MONDO:0011640, OMIM 606170.

Submissions (2):

Ambry Genetics
Classification: Uncertain significance for Inborn genetic diseases. Last evaluated: 2025-12-29. Review status: criteria provided, single submitter. Criteria: Ambry Variant Classification Scheme 2023. Collection method: clinical testing. Allele origin: germline.

Labcorp Genetics (formerly Invitae), Labcorp
Classification: Uncertain significance for Genitopatellar syndrome. Last evaluated: 2025-03-27. Review status: criteria provided, single submitter. Criteria: Invitae Variant Classification Sherloc (09022015). Collection method: clinical testing. Allele origin: germline.
Comment: This sequence change replaces lysine, which is basic and polar, with arginine, which is basic and polar, at codon 1042 of the KAT6B protein (p.Lys1042Arg). This variant is not present in population databases (gnomAD no frequency). This variant has not been reported in the literature in individuals affected with KAT6B-related conditions. Invitae Evidence Modeling of protein sequence and biophysical properties (such as structural, functional, and spatial information, amino acid conservation, physicochemical variation, residue mobility, and thermodynamic stability) indicates that this missense variant is not expected to disrupt KAT6B protein function with a negative predictive value of 80%. In summary, the available evidence is currently insufficient to determine the role of this variant in disease. Therefore, it has been classified as a Variant of Uncertain Significance.

NM_012330.4(KAT6B):c.3125A>G (p.Lys1042Arg)

Gene: KAT6B (lysine acetyltransferase 6B; plus strand). Cytogenetic location: 10q22.2.
Variant type: single nucleotide variant.
Coding change: c.3125A>G on transcript NM_012330.4 (MANE Select); coding-DNA position 3125, A replaced by G.
Protein change: p.Lys1042Arg; replaces lysine 1042 with arginine.
Molecular consequence: missense variant.
Genome position (GRCh38, 1-based): chr10:75,021,984, A>G. VCF-style: chr10-75021984-A-G. GRCh37 (hg19) VCF-style: chr10-76781742-A-G.
Other names: c.3125A>G (NM_012330.2); c.2576A>G, p.Lys859Arg (NM_001256468.2, NM_001370138.1); c.2249A>G, p.Lys750Arg (NM_001256469.2, NM_001370139.1, NM_001370140.1 and 2 more transcripts); c.2087A>G, p.Lys696Arg (NM_001370132.1); c.1436A>G, p.Lys479Arg (NM_001370133.1); c.1040A>G, p.Lys347Arg (NM_001370134.1); c.782A>G, p.Lys261Arg (NM_001370135.1); c.3125A>G, p.Lys1042Arg (NM_001370136.1, NM_001370137.1); and 1 more; short protein forms K1042R, K347R, K687R, K750R, K696R, K859R, K261R, K479R.
Identifiers: ClinVar variation 3636373 (VCV003636373.3).